The following is an entry in ClinVar:

ClinVar aggregate classification (germline): Uncertain significance (1 of 4 stars; one submission).

Conditions:
Hereditary cancer-predisposing syndrome. Also called: Tumor predisposition; Hereditary Cancer Syndrome; Neoplastic Syndromes, Hereditary; Hereditary neoplastic syndrome. Identifiers: Orphanet 140162, MedGen C0027672, MeSH D009386, MONDO:0015356.

Submission:

Ambry Genetics
Classification: Uncertain significance for Hereditary cancer-predisposing syndrome. Last evaluated: 2021-12-11. Review status: criteria provided, single submitter. Criteria: Ambry Variant Classification Scheme 2023. Collection method: clinical testing. Allele origin: germline.
Comment: The p.S917R variant (also known as c.2749A>C), located in coding exon 21 of the POLD1 gene, results from an A to C substitution at nucleotide position 2749. The serine at codon 917 is replaced by arginine, an amino acid with dissimilar properties. This amino acid position is conserved. In addition, this alteration is predicted to be tolerated by in silico analysis. Since supporting evidence is limited at this time, the clinical significance of this alteration remains unclear.

NM_002691.4(POLD1):c.2749A>C (p.Ser917Arg)

Gene: POLD1 (DNA polymerase delta 1, catalytic subunit; plus strand). Cytogenetic location: 19q13.33.
Variant type: single nucleotide variant.
Coding change: c.2749A>C on transcript NM_002691.4 (MANE Select); coding-DNA position 2749, A replaced by C.
Protein change: p.Ser917Arg; replaces serine 917 with arginine.
Molecular consequence: missense variant.
Genome position (GRCh38, 1-based): chr19:50,415,755, A>C. VCF-style: chr19-50415755-A-C. GRCh37 (hg19) VCF-style: chr19-50919012-A-C.
Other names: c.2749A>C, p.Ser917Arg (NM_001256849.1); c.2827A>C, p.Ser943Arg (NM_001308632.1); short protein forms S917R, S943R.
Identifiers: ClinVar variation 1795515 (VCV001795515.2), dbSNP rs2514057751, ClinGen allele CA406985903.